The following is an entry in ClinVar:

ClinVar aggregate classification (germline): Uncertain significance (1 of 4 stars; one submission).

Conditions:
Cardiovascular phenotype. Identifiers: MedGen CN230736.

Submission:

Ambry Genetics
Classification: Uncertain significance for Cardiovascular phenotype. Last evaluated: 2024-01-07. Review status: criteria provided, single submitter. Criteria: Ambry Variant Classification Scheme 2023. Collection method: clinical testing. Allele origin: germline.
Comment: The p.K2820E variant (also known as c.8458A>G), located in coding exon 38 of the ANK2 gene, results from an A to G substitution at nucleotide position 8458. The lysine at codon 2820 is replaced by glutamic acid, an amino acid with similar properties. This amino acid position is conserved. In addition, this alteration is predicted to be tolerated by in silico analysis. Since supporting evidence is limited at this time, the clinical significance of this alteration remains unclear.

NM_001148.6(ANK2):c.8458A>G (p.Lys2820Glu)

Gene: ANK2 (ankyrin 2; plus strand). Cytogenetic location: 4q26.
Variant type: single nucleotide variant.
Coding change: c.8458A>G on transcript NM_001148.6 (MANE Select); coding-DNA position 8458, A replaced by G.
Protein change: p.Lys2820Glu; replaces lysine 2820 with glutamic acid.
Molecular consequence: missense variant. On other transcripts: intron variant (68).
Genome position (GRCh38, 1-based): chr4:113,357,076, A>G. VCF-style: chr4-113357076-A-G. GRCh37 (hg19) VCF-style: chr4-114278232-A-G.
Other names: c.8224A>G, p.Lys2742Glu (NM_001386142.1); c.4858A>G, p.Lys1620Glu (NM_001386166.1); c.8599A>G, p.Lys2867Glu (NM_001386174.1); c.8575A>G, p.Lys2859Glu (NM_001386175.1); c.4412-3747A>G (NM_001386186.2, NM_001386148.2); c.4214-3747A>G (NM_001354269.3); c.4292-3747A>G (NM_001386187.2); c.4253-3747A>G (NM_001386147.1); and 35 more; short protein forms K1620E, K2742E, K2820E, K2859E, K2867E.
Identifiers: ClinVar variation 3221013 (VCV003221013.1), dbSNP rs376908394, ClinGen allele CA357934095.